The following is an entry in ClinVar:

ClinVar aggregate classification (germline): Uncertain significance (1 of 4 stars; one submission).

Conditions:
Cenani-Lenz syndactyly syndrome. Also called: CENANI SYNDACTYLISM; SYNDACTYLY, TYPE VII. Identifiers: Orphanet 3258, MedGen C1859309, MONDO:0008931, OMIM 212780.
Sclerosteosis 2 (SOST2). Identifiers: Orphanet 3152, MedGen C3280402, MONDO:0013679, OMIM 614305.
Congenital myasthenic syndrome 17. Identifiers: Orphanet 590, MedGen C4225377, MONDO:0014578, OMIM 616304.

Submission:

Labcorp Genetics (formerly Invitae), Labcorp
Classification: Uncertain significance for Cenani-Lenz syndactyly syndrome; Sclerosteosis 2; Congenital myasthenic syndrome 17. Last evaluated: 2022-02-03. Review status: criteria provided, single submitter. Criteria: Invitae Variant Classification Sherloc (09022015). Collection method: clinical testing. Allele origin: germline.
Comment: In summary, the available evidence is currently insufficient to determine the role of this variant in disease. Therefore, it has been classified as a Variant of Uncertain Significance. Algorithms developed to predict the effect of missense changes on protein structure and function are either unavailable or do not agree on the potential impact of this missense change (SIFT: "Deleterious"; PolyPhen-2: "Benign"; Align-GVGD: "Class C0"). This variant has not been reported in the literature in individuals affected with LRP4-related conditions. This variant is not present in population databases (gnomAD no frequency). This sequence change replaces threonine, which is neutral and polar, with isoleucine, which is neutral and non-polar, at codon 1878 of the LRP4 protein (p.Thr1878Ile).

NM_002334.4(LRP4):c.5633C>T (p.Thr1878Ile)

Genes: LRP4 (LDL receptor related protein 4; minus strand), LRP4-AS1 (LRP4 antisense RNA 1; plus strand). Cytogenetic location: 11p11.2.
Variant type: single nucleotide variant.
Coding change: c.5633C>T on transcript NM_002334.4 (MANE Select); coding-DNA position 5633, C replaced by T.
Protein change: p.Thr1878Ile; replaces threonine 1878 with isoleucine.
Molecular consequence: missense variant.
Genome position (GRCh38, 1-based): chr11:46,859,068, G>A on the plus strand (C>T on the coding strand, the complement: LRP4 is on the minus strand). VCF-style: chr11-46859068-G-A. GRCh37 (hg19) VCF-style: chr11-46880619-G-A.
Other names: short protein forms T1878I.
Identifiers: ClinVar variation 1428162 (VCV001428162.8), dbSNP rs1940461595, ClinGen allele CA380283382.
Genomic context (GRCh38, chr11:46,859,068, plus strand): 5'-TTGCGTTCATGTTTCCAGCCCGTGTCTGGCAGAGAGCCTCGTCTTTCTGGAGTGGCTGCA[G>A]TATGGACGCTGCTACACTCAGACTGCTCTTCCTGTAACAGCTGCTCCGTCTCTGTGTCAT-3'
Protein context (NP_002325.2, residues 1868-1888): EEQSECSSVH[Thr1878Ile]AATPERRGSL